The following is an entry in ClinVar:

NM_182641.4(BPTF):c.4075A>G (p.Lys1359Glu)

Gene: BPTF (bromodomain PHD finger transcription factor; plus strand). Cytogenetic location: 17q24.2.
Variant type: single nucleotide variant.
Coding change: c.4075A>G on transcript NM_182641.4 (MANE Select); coding-DNA position 4075, A replaced by G.
Protein change: p.Lys1359Glu; replaces lysine 1359 with glutamic acid.
Molecular consequence: missense variant.
Genome position (GRCh38, 1-based): chr17:67,911,959, A>G. VCF-style: chr17-67911959-A-G. GRCh37 (hg19) VCF-style: chr17-65908075-A-G.
Other names: c.4453A>G, p.Lys1485Glu (NM_004459.7); short protein forms K1485E, K1359E.
Identifiers: ClinVar variation 2108217 (VCV002108217.4), dbSNP rs893421728, ClinGen allele CA293263357.

ClinVar aggregate classification (germline): Uncertain significance (1 of 4 stars; one submission).

Allele frequency attached by ClinVar (database versions not stated): gnomAD exomes below 0.00001.
gnomAD v4.1: 1 of 1,614,130 alleles (0.000062%); highest among the groups gnomAD compares: Non-Finnish European, 0.000085%; no homozygotes.

Submission:

Labcorp Genetics (formerly Invitae), Labcorp
Classification: Uncertain significance. Last evaluated: 2022-05-23. Review status: criteria provided, single submitter. Criteria: Invitae Variant Classification Sherloc (09022015). Collection method: clinical testing. Allele origin: germline.
Comment: In summary, the available evidence is currently insufficient to determine the role of this variant in disease. Therefore, it has been classified as a Variant of Uncertain Significance. Algorithms developed to predict the effect of missense changes on protein structure and function output the following: SIFT: "Tolerated"; PolyPhen-2: "Benign"; Align-GVGD: "Class C0". The glutamic acid amino acid residue is found in multiple mammalian species, which suggests that this missense change does not adversely affect protein function. This variant has not been reported in the literature in individuals affected with BPTF-related conditions. This variant is not present in population databases (gnomAD no frequency). This sequence change replaces lysine, which is basic and polar, with glutamic acid, which is acidic and polar, at codon 1485 of the BPTF protein (p.Lys1485Glu).